The following is an entry in ClinVar:

ClinVar aggregate classification (germline): Uncertain significance (1 of 4 stars; one submission).

Conditions:
Autosomal dominant nonsyndromic hearing loss 1. Also called: KONIGSMARK SYNDROME; DEAFNESS, AUTOSOMAL DOMINANT 1, WITH OR WITHOUT THROMBOCYTOPENIA. Identifiers: Orphanet 90635, MedGen C1852282, MONDO:0007424, OMIM 124900.
Progressive microcephaly-seizures-cortical blindness-developmental delay syndrome. Also called: Seizures, cortical blindness, and microcephaly syndrome. Identifiers: Orphanet 477814, MedGen C5567650, MONDO:0014714, OMIM 616632.

Allele frequency attached by ClinVar (database versions not stated): TOPMed 0.00001.
gnomAD v4.1: 8 of 1,545,290 alleles (0.00052%); highest among the groups gnomAD compares: Non-Finnish European, 0.0007%; no homozygotes.

Submission:

Labcorp Genetics (formerly Invitae), Labcorp
Classification: Uncertain significance for Progressive microcephaly-seizures-cortical blindness-developmental delay syndrome; Autosomal dominant nonsyndromic hearing loss 1. Last evaluated: 2025-07-31. Review status: criteria provided, single submitter. Criteria: Invitae Variant Classification Sherloc (09022015). Collection method: clinical testing. Allele origin: germline.
Comment: This sequence change replaces aspartic acid, which is acidic and polar, with glutamic acid, which is acidic and polar, at codon 24 of the DIAPH1 protein (p.Asp24Glu). This variant is present in population databases (no rsID available, gnomAD 0.002%). This variant has not been reported in the literature in individuals affected with DIAPH1-related conditions. ClinVar contains an entry for this variant (Variation ID: 1382177). Experimental studies and prediction algorithms are not available or were not evaluated, and the functional significance of this variant is currently unknown. In summary, the available evidence is currently insufficient to determine the role of this variant in disease. Therefore, it has been classified as a Variant of Uncertain Significance.

NM_005219.5(DIAPH1):c.72T>A (p.Asp24Glu)

Gene: DIAPH1 (diaphanous related formin 1; minus strand). Cytogenetic location: 5q31.3.
Variant type: single nucleotide variant.
Coding change: c.72T>A on transcript NM_005219.5 (MANE Select); coding-DNA position 72, T replaced by A.
Protein change: p.Asp24Glu; replaces aspartic acid 24 with glutamic acid.
Molecular consequence: missense variant.
Genome position (GRCh38, 1-based): chr5:141,618,843, A>T on the plus strand (T>A on the coding strand, the complement: DIAPH1 is on the minus strand). VCF-style: chr5-141618843-A-T. GRCh37 (hg19) VCF-style: chr5-140998410-A-T.
Other names: c.72T>A, p.Asp24Glu (NM_001079812.3, NM_001314007.2); short protein forms D24E.
Identifiers: ClinVar variation 1382177 (VCV001382177.6), dbSNP rs1189716868, ClinGen allele CA361508570.